The following is an entry in ClinVar:

NM_000046.5(ARSB):c.753C>G (p.Tyr251Ter)

Gene: ARSB (arylsulfatase B; minus strand). Cytogenetic location: 5q14.1.
Variant type: single nucleotide variant.
Coding change: c.753C>G on transcript NM_000046.5 (MANE Select); coding-DNA position 753, C replaced by G.
Protein change: p.Tyr251Ter; replaces tyrosine 251 with a stop codon.
Molecular consequence: nonsense.
Genome position (GRCh38, 1-based): chr5:78,955,440, G>C on the plus strand (C>G on the coding strand, the complement: ARSB is on the minus strand). VCF-style: chr5-78955440-G-C. GRCh37 (hg19) VCF-style: chr5-78251263-G-C.
Other names: c.753C>G, p.Tyr251Ter (NM_198709.3); short protein forms Y251*.
Identifiers: ClinVar variation 488822 (VCV000488822.57), dbSNP rs765711776, ClinGen allele CA360192218.
Genomic context (GRCh38, chr5:78,955,440, plus strand): 5'-GGACACCATTCCTGCATAGTGATGCCTGTTCTTGTCTTGGATAAAGTCATATGGCTTCAA[G>C]TATTCCTCAGGGACCTGAAGGGGCTCATGCACAGACTGGAGAGCAAGGTAGAGAAACAGA-3'

ClinVar aggregate classification (germline): Pathogenic. Review status: criteria provided, multiple submitters, no conflicts (2 of 4 stars). 9 submissions from 9 submitters: Pathogenic (7). 2 of the submissions do not count toward it. Last evaluated 2024-07-30.

Conditions:
Mucopolysaccharidosis type 6 (MPS6). Also called: ARSB DEFICIENCY; ARYLSULFATASE B DEFICIENCY; MPS 6; Maroteaux Lamy syndrome; N-ACETYLGALACTOSAMINE-4-SULFATASE DEFICIENCY; MPS VI. Identifiers: Orphanet 583, MedGen C0026709, MONDO:0009661, OMIM 253200.

gnomAD v4.1: 2 of 1,614,198 alleles (0.00012%); highest among the groups gnomAD compares: Middle Eastern, 0.033%; no homozygotes.

Submissions (9):

Revvity Omics, Revvity
Classification: Pathogenic for Mucopolysaccharidosis type 6. Last evaluated: 2024-07-30. Review status: criteria provided, single submitter. Criteria: ACMG Guidelines, 2015. Collection method: clinical testing. Allele origin: germline.

Genomic Medicine Center of Excellence, King Faisal Specialist Hospital and Research Centre
Classification: Pathogenic for Mucopolysaccharidosis type VI (Maroteaux-Lamy). Last evaluated: 2024-03-14. Review status: criteria provided, single submitter. Criteria: ACMG Guidelines, 2015. Collection method: clinical testing. Allele origin: germline.

Baylor Genetics
Classification: Pathogenic for Mucopolysaccharidosis type 6. Last evaluated: 2021-12-04. Review status: criteria provided, single submitter. Criteria: ACMG Guidelines, 2015. Collection method: clinical testing. Allele origin: unknown.

CeGaT Center for Human Genetics Tuebingen
Classification: Pathogenic. Last evaluated: 2020-05-01. Review status: criteria provided, single submitter. Criteria: CeGaT Center For Human Genetics Tuebingen Variant Classification Criteria Version 2. Collection method: clinical testing. Allele origin: germline. Affected: yes. Observed: 1 variant allele.

GeneDx
Classification: Pathogenic. Last evaluated: 2019-05-01. Review status: criteria provided, single submitter. Criteria: GeneDx Variant Classification Process June 2021. Collection method: clinical testing. Allele origin: germline. Affected: yes.
Comment: Not observed in large population cohorts (Lek et al., 2016); Nonsense variant predicted to result in protein truncation or nonsense mediated decay in a gene for which loss-of-function is a known mechanism of disease; This variant is associated with the following publications: (PMID: 30118150, 28914427, 23430861, 27629047, 24798265, 31009684, 29620724)

Labcorp Genetics (formerly Invitae), Labcorp
Classification: Pathogenic for Mucopolysaccharidosis type 6. Last evaluated: 2018-08-11. Review status: criteria provided, single submitter. Criteria: Invitae Variant Classification Sherloc (09022015). Collection method: clinical testing. Allele origin: germline.
Comment: This variant has been observed in an individual affected with mucopolysaccharidosis type VI (PMID: 23430861). ClinVar contains an entry for this variant (Variation ID: 488822). Loss-of-function variants in ARSB are known to be pathogenic (PMID: 17458871, 22133300). For these reasons, this variant has been classified as Pathogenic. This variant is not present in population databases (ExAC no frequency). This sequence change creates a premature translational stop signal (p.Tyr251*) in the ARSB gene. It is expected to result in an absent or disrupted protein product.

Laboratory of Diagnosis and Therapy of Lysosomal Disorders, University of Padova
Classification: Pathogenic for Mucopolysaccharidosis type 6. Last evaluated: 2018-01-01. Review status: criteria provided, single submitter. Criteria: ACMG Guidelines, 2015. Collection method: curation. Allele origin: germline. Affected: yes.
Comment: Nonsense variant (PVS1); In vitro functional studies supportive of a damaging effect on the gene product (low to no ARSB activity in homozygotes; PS3); Absent from GnomAD (PM2); Reputable source identifies as pathogenic (PP5)

Natera, Inc.
Classification: Pathogenic for Mucopolysaccharidosis type VI. Last evaluated: 2020-09-16. Review status: no assertion criteria provided. Collection method: clinical testing. Allele origin: germline. Not counted in ClinVar's aggregate classification.

Biochemical Molecular Genetic Laboratory, King Abdulaziz Medical City
Classification: Pathogenic for Mucopolysaccharidosis type 6. Last evaluated: 2019-09-26. Review status: no assertion criteria provided. Collection method: clinical testing. Allele origin: germline. Affected: yes. Not counted in ClinVar's aggregate classification.

Literature cited by the submitters: PubMed 23430861 (cited by Labcorp Genetics (formerly Invitae), Labcorp and Laboratory of Diagnosis and Therapy of Lysosomal Disorders, University of Padova); PubMed 17458871 (cited by Labcorp Genetics (formerly Invitae), Labcorp); PubMed 22133300 (cited by Labcorp Genetics (formerly Invitae), Labcorp); PubMed 24798265 (cited by Laboratory of Diagnosis and Therapy of Lysosomal Disorders, University of Padova); PubMed 28914427 (cited by Laboratory of Diagnosis and Therapy of Lysosomal Disorders, University of Padova); PubMed 30118150 (cited by Laboratory of Diagnosis and Therapy of Lysosomal Disorders, University of Padova).